The following is an entry in ClinVar:

NM_152594.3(SPRED1):c.618C>G (p.Ser206Arg)

Gene: SPRED1 (sprouty related EVH1 domain containing 1; plus strand). Cytogenetic location: 15q14.
Variant type: single nucleotide variant.
Coding change: c.618C>G on transcript NM_152594.3 (MANE Select); coding-DNA position 618, C replaced by G.
Protein change: p.Ser206Arg; replaces serine 206 with arginine.
Molecular consequence: missense variant.
Genome position (GRCh38, 1-based): chr15:38,349,457, C>G. VCF-style: chr15-38349457-C-G. GRCh37 (hg19) VCF-style: chr15-38641658-C-G.
Other names: short protein forms S206R.
Identifiers: ClinVar variation 3448788 (VCV003448788.1).

ClinVar aggregate classification (germline): Uncertain significance (1 of 4 stars; one submission).

Conditions:
Cardiovascular phenotype. Identifiers: MedGen CN230736.

Submission:

Ambry Genetics
Classification: Uncertain significance for Cardiovascular phenotype. Last evaluated: 2024-11-20. Review status: criteria provided, single submitter. Criteria: Ambry Variant Classification Scheme 2023. Collection method: clinical testing. Allele origin: germline.
Comment: The p.S206R variant (also known as c.618C>G), located in coding exon 6 of the SPRED1 gene, results from a C to G substitution at nucleotide position 618. The serine at codon 206 is replaced by arginine, an amino acid with dissimilar properties. This amino acid position is conserved. In addition, this alteration is predicted to be tolerated by in silico analysis. Based on the available evidence, the clinical significance of this variant remains unclear.